The following is an entry in ClinVar:

ClinVar aggregate classification (germline): Pathogenic (1 of 4 stars; one submission).

Conditions:
Glucose-6-phosphate transport defect (GSD1B). Also called: GSD Ib; Glycogen Storage Disease Type Ib. Identifiers: Orphanet 364, Orphanet 79259, MedGen C0268146, MONDO:0009288, OMIM 232220.

Submission:

Labcorp Genetics (formerly Invitae), Labcorp
Classification: Pathogenic for Glucose-6-phosphate transport defect. Last evaluated: 2020-09-30. Review status: criteria provided, single submitter. Criteria: Invitae Variant Classification Sherloc (09022015). Collection method: clinical testing. Allele origin: germline.
Comment: For these reasons, this variant has been classified as Pathogenic. This variant disrupts the C-terminus of the SLC37A4 protein. Other variant(s) that disrupt this region (p.Arg415*) have been determined to be pathogenic (PMID: 10482962, 10931421). This suggests that variants that disrupt this region of the protein are likely to be causative of disease. This nonsense change has been observed in individual(s) with glycogen storage disease type Ib (PMID: 29119402, 28224773, 10923042). This variant is not present in population databases (ExAC no frequency). This sequence change results in a premature translational stop signal in the SLC37A4 gene (p.Trp393*). While this is not anticipated to result in nonsense mediated decay, it is expected to disrupt the last 37 amino acid(s) of the SLC37A4 protein.

Literature cited by the submitters: PubMed 10482962; PubMed 10931421; PubMed 29119402; PubMed 28224773; PubMed 10923042.

NM_001164277.2(SLC37A4):c.1178G>A (p.Trp393Ter)

Gene: SLC37A4 (solute carrier family 37 member 4; minus strand). Cytogenetic location: 11q23.3.
Variant type: single nucleotide variant.
Coding change: c.1178G>A on transcript NM_001164277.2 (MANE Select); coding-DNA position 1178, G replaced by A.
Protein change: p.Trp393Ter; replaces tryptophan 393 with a stop codon.
Molecular consequence: nonsense.
Genome position (GRCh38, 1-based): chr11:119,025,022, C>T on the plus strand (G>A on the coding strand, the complement: SLC37A4 is on the minus strand). VCF-style: chr11-119025022-C-T. GRCh37 (hg19) VCF-style: chr11-118895732-C-T.
Other names: c.1244G>A, p.Trp415Ter (NM_001164278.2); c.959G>A, p.Trp320Ter (NM_001164279.2); c.1178G>A, p.Trp393Ter (NM_001164280.2, NM_001467.6); short protein forms W320*, W393*, W415*.
Identifiers: ClinVar variation 1076442 (VCV001076442.9), dbSNP rs2134626765, ClinGen allele CA382894352.